The following is an entry in ClinVar:

NM_152296.5(ATP1A3):c.1096G>A (p.Asp366Asn)

Gene: ATP1A3 (ATPase Na+/K+ transporting subunit alpha 3; minus strand). Cytogenetic location: 19q13.2.
Variant type: single nucleotide variant.
Coding change: c.1096G>A on transcript NM_152296.5 (MANE Select); coding-DNA position 1096, G replaced by A.
Protein change: p.Asp366Asn; replaces aspartic acid 366 with asparagine.
Molecular consequence: missense variant.
Genome position (GRCh38, 1-based): chr19:41,982,004, C>T on the plus strand (G>A on the coding strand, the complement: ATP1A3 is on the minus strand). VCF-style: chr19-41982004-C-T. GRCh37 (hg19) VCF-style: chr19-42486156-C-T.
Other names: c.1129G>A, p.Asp377Asn (NM_001256213.2); c.1135G>A, p.Asp379Asn (NM_001256214.2); short protein forms D377N, D366N, D379N.
Identifiers: ClinVar variation 1364762 (VCV001364762.8), dbSNP rs2145972473, ClinGen allele CA406051159.

ClinVar aggregate classification (germline): Uncertain significance (1 of 4 stars; one submission).

Conditions:
Dystonia 12 (DYT12). Also called: DYT-ATP1A3; Rapid-Onset Dystonia-Parkinsonism (RDP). Identifiers: Orphanet 71517, MedGen C1868681, MONDO:0007496, OMIM 128235.

Submission:

Labcorp Genetics (formerly Invitae), Labcorp
Classification: Uncertain significance for Dystonia 12. Last evaluated: 2022-03-18. Review status: criteria provided, single submitter. Criteria: Invitae Variant Classification Sherloc (09022015). Collection method: clinical testing. Allele origin: germline.
Comment: This sequence change replaces aspartic acid, which is acidic and polar, with asparagine, which is neutral and polar, at codon 366 of the ATP1A3 protein (p.Asp366Asn). In summary, the available evidence is currently insufficient to determine the role of this variant in disease. Therefore, it has been classified as a Variant of Uncertain Significance. Advanced modeling of protein sequence and biophysical properties (such as structural, functional, and spatial information, amino acid conservation, physicochemical variation, residue mobility, and thermodynamic stability) performed at Invitae indicates that this missense variant is expected to disrupt ATP1A3 protein function. This variant has not been reported in the literature in individuals affected with ATP1A3-related conditions. This variant is not present in population databases (gnomAD no frequency).